The following is an entry in ClinVar:

ClinVar aggregate classification (germline): Pathogenic. Review status: reviewed by expert panel (3 of 4 stars). 8 submissions from 8 submitters: Pathogenic (1). 7 of the submissions do not count toward it. Last evaluated 2016-10-18.

Conditions:
Hereditary cancer-predisposing syndrome. Also called: Neoplastic Syndromes, Hereditary; Tumor predisposition; Hereditary neoplastic syndrome; Hereditary Cancer Syndrome. Identifiers: Orphanet 140162, MedGen C0027672, MeSH D009386, MONDO:0015356.
Hereditary breast ovarian cancer syndrome. Also called: Hereditary breast and ovarian cancer syndrome; Hereditary breast and ovarian cancer; Hereditary breast and ovarian cancer syndrome (HBOC); Breast and ovarian cancer; Hereditary breast and/or ovarian cancer syndrome; BRCA1- and BRCA2-Associated Hereditary Breast and Ovarian Cancer. Identifiers: Orphanet 145, MedGen C0677776, MeSH D061325, MONDO:0003582. Disease mechanism: loss of function.
Breast-ovarian cancer, familial, susceptibility to, 2 (BROVCA2). Also called: BRCA2 Hereditary Breast and Ovarian Cancer. Identifiers: Orphanet 145, MedGen C2675520, MONDO:0012933, OMIM 612555. Disease mechanism: loss of function.

Submissions (8):

Evidence-based Network for the Interpretation of Germline Mutant Alleles (ENIGMA)
Classification: Pathogenic for Breast-ovarian cancer, familial, susceptibility to, 2. Last evaluated: 2016-10-18. Review status: reviewed by expert panel. Criteria: ENIGMA BRCA1/2 Classification Criteria (2015). Collection method: curation. Allele origin: germline.
Comment: Variant allele predicted to encode a truncated non-functional protein.

Ambry Genetics
Classification: Pathogenic for Hereditary cancer-predisposing syndrome. Last evaluated: 2024-05-10. Review status: criteria provided, single submitter. Criteria: Ambry Variant Classification Scheme 2023. Collection method: clinical testing. Allele origin: germline. Not counted in ClinVar's aggregate classification.
Comment: The p.Y2997* pathogenic mutation (also known as c.8991T>G), located in coding exon 22 of the BRCA2 gene, results from a T to G substitution at nucleotide position 8991. This changes the amino acid from a tyrosine to a stop codon within coding exon 22. This mutation has been described multiple times in Korean HBOC patients (Ahn SH et al. Cancer Lett. 2007 Jan;245:90-5; Son BH et al. Breast Cancer Res. Treat. 2012 Jun;133:1143-52; Eoh KJ et al. Cancer Res. Treat. 2018 Jul;50:917-925). Of note, this alteration is also designated as 9219T>G in published literature. This variant is considered to be rare based on population cohorts in the Genome Aggregation Database (gnomAD). In addition to the clinical data presented in the literature, this alteration is expected to result in loss of function by premature protein truncation or nonsense-mediated mRNA decay. As such, this alteration is interpreted as a disease-causing mutation.

Labcorp Genetics (formerly Invitae), Labcorp
Classification: Pathogenic for Hereditary breast ovarian cancer syndrome. Last evaluated: 2023-12-19. Review status: criteria provided, single submitter. Criteria: Invitae Variant Classification Sherloc (09022015). Collection method: clinical testing. Allele origin: germline. Not counted in ClinVar's aggregate classification.
Comment: This sequence change creates a premature translational stop signal (p.Tyr2997*) in the BRCA2 gene. It is expected to result in an absent or disrupted protein product. Loss-of-function variants in BRCA2 are known to be pathogenic (PMID: 20104584). This variant is not present in population databases (gnomAD no frequency). This premature translational stop signal has been observed in individual(s) with breast and ovarian cancer (PMID: 16455195, 29020732). ClinVar contains an entry for this variant (Variation ID: 52722). RNA analysis performed to evaluate the impact of this premature translational stop signal on mRNA splicing indicates it does not significantly alter splicing (Invitae). For these reasons, this variant has been classified as Pathogenic.

Quest Diagnostics Nichols Institute San Juan Capistrano
Classification: Pathogenic. Last evaluated: 2021-08-24. Review status: criteria provided, single submitter. Criteria: Quest Diagnostics criteria. Collection method: clinical testing. Allele origin: unknown. Not counted in ClinVar's aggregate classification.
Comment: This nonsense variant causes the premature termination of BRCA2 protein synthesis. In addition, it has been reported in individuals affected with breast cancer or ovarian cancer in the published literature (PMID: 16455195 (2007) and 29020732 (2018)). Based on the available information, this variant is classified as pathogenic.

Color Diagnostics, LLC DBA Color Health
Classification: Pathogenic for Hereditary cancer-predisposing syndrome. Last evaluated: 2021-08-05. Review status: criteria provided, single submitter. Criteria: ACMG Guidelines, 2015. Collection method: clinical testing. Allele origin: germline. Not counted in ClinVar's aggregate classification.
Comment: This variant changes 1 nucleotide in exon 23 of the BRCA2 gene, creating a premature translation stop signal. This variant is expected to result in an absent or non-functional protein product. To our knowledge, functional studies have not been reported for this variant. This variant has been detected in at least two individuals affected with breast cancer and an individual affected with ovarian cancer (PMID: 16455195, 29020732, 33471991; Leiden Open Variation Database DB-ID BRCA2_005517). This variant has not been identified in the general population by the Genome Aggregation Database (gnomAD). Loss of BRCA2 function is a known mechanism of disease. Based on the available evidence, this variant is classified as Pathogenic.

GeneDx
Classification: Pathogenic. Last evaluated: 2018-04-09. Review status: criteria provided, single submitter. Criteria: GeneDx Variant Classification (06012015). Collection method: clinical testing. Allele origin: germline. Affected: yes. Not counted in ClinVar's aggregate classification.
Comment: This variant is denoted BRCA2 c.8991T>G at the cDNA level and p.Tyr2997Ter (Y2997X) at the protein level. The substitution creates a nonsense variant, which changes a Tyrosine to a premature stop codon (TAT>TAG), and is predicted to cause loss of normal protein function through either protein truncation or nonsense-mediated mRNA decay. This variant, also reported as BRCA2 9219T>G using alternate nomenclature, has been reported in families with breast and/or ovarian cancer (Ahn 2007, Son 2012, Kim 2012, Kang 2015, Eoh 2017) and is considered pathogenic.

Consortium of Investigators of Modifiers of BRCA1/2 (CIMBA), c/o University of Cambridge
Classification: Pathogenic for Breast-ovarian cancer, familial, susceptibility to, 2. Last evaluated: 2015-10-02. Review status: criteria provided, single submitter. Criteria: CIMBA Mutation Classification guidelines May 2016. Collection method: clinical testing. Allele origin: germline. Not counted in ClinVar's aggregate classification.

Department of Pathology and Laboratory Medicine, Sinai Health System
Classification: Uncertain significance. Review status: no assertion criteria provided. Collection method: clinical testing. Allele origin: unknown. Affected: yes. Observed: 1 variant allele. Study: The Canadian Open Genetics Repository (COGR). Not counted in ClinVar's aggregate classification.

Literature cited by the submitters: PubMed 16455195 (cited by 3 submitters); PubMed 22382806 (cited by Ambry Genetics); PubMed 22798144 (cited by Ambry Genetics and Quest Diagnostics Nichols Institute San Juan Capistrano); PubMed 25863477 (cited by Ambry Genetics); PubMed 29020732 (cited by 3 submitters); PubMed 29673794 (cited by Ambry Genetics); PubMed 20104584 (cited by Labcorp Genetics (formerly Invitae), Labcorp).

NM_000059.4(BRCA2):c.8991T>G (p.Tyr2997Ter)

Gene: BRCA2 (BRCA2 DNA repair associated; plus strand). Cytogenetic location: 13q13.1.
Variant type: single nucleotide variant.
Coding change: c.8991T>G on transcript NM_000059.4 (MANE Select); coding-DNA position 8991, T replaced by G.
Protein change: p.Tyr2997Ter; replaces tyrosine 2997 with a stop codon.
Molecular consequence: nonsense.
Genome position (GRCh38, 1-based): chr13:32,379,787, T>G. VCF-style: chr13-32379787-T-G. GRCh37 (hg19) VCF-style: chr13-32953924-T-G.
Other names: 9219T>G; short protein forms Y2997*.
Identifiers: ClinVar variation 52722 (VCV000052722.24), dbSNP rs397508028, ClinGen allele CA025915.